The following is an entry in ClinVar:

NM_002715.4(PPP2CA):c.530T>G (p.Leu177Arg)

Gene: PPP2CA (protein phosphatase 2 catalytic subunit alpha; minus strand). Cytogenetic location: 5q31.1.
Variant type: single nucleotide variant.
Coding change: c.530T>G on transcript NM_002715.4 (MANE Select); coding-DNA position 530, T replaced by G.
Protein change: p.Leu177Arg; replaces leucine 177 with arginine.
Molecular consequence: missense variant. On other transcripts: non-coding transcript variant (1).
Genome position (GRCh38, 1-based): chr5:134,201,031, A>C on the plus strand (T>G on the coding strand, the complement: PPP2CA is on the minus strand). VCF-style: chr5-134201031-A-C. GRCh37 (hg19) VCF-style: chr5-133536722-A-C.
Other names: c.335T>G, p.Leu112Arg (NM_001355019.2); short protein forms L112R, L177R.
Identifiers: ClinVar variation 3764483 (VCV003764483.1).

ClinVar aggregate classification (germline): Uncertain significance (1 of 4 stars; one submission).

Submission:

GeneDx
Classification: Uncertain significance. Last evaluated: 2024-08-21. Review status: criteria provided, single submitter. Criteria: GeneDx Variant Classification Process June 2021. Collection method: clinical testing. Allele origin: germline. Affected: yes.
Comment: Not observed at significant frequency in large population cohorts (gnomAD); In silico analysis supports that this missense variant has a deleterious effect on protein structure/function; Has not been previously published as pathogenic or benign to our knowledge